The following is an entry in ClinVar:

ClinVar aggregate classification (germline): Conflicting classifications of pathogenicity. Review status: criteria provided, conflicting classifications (1 of 4 stars). 2 submissions from 2 submitters: Uncertain significance (1); Likely benign (1). Last evaluated 2024-10-07.

Conditions:
Nephronophthisis 16 (NPHP16). Identifiers: Orphanet 655, MedGen C3809320, MONDO:0014158, OMIM 615382.

Allele frequency attached by ClinVar (database versions not stated): TOPMed 0.00002; gnomAD 0.00003; ExAC 0.00013.
gnomAD v4.1: 115 of 1,499,896 alleles (0.0077%); highest among the groups gnomAD compares: South Asian, 0.1%; no homozygotes.

Submissions (2):

GeneDx
Classification: Uncertain significance. Last evaluated: 2024-10-07. Review status: criteria provided, single submitter. Criteria: GeneDx Variant Classification Process June 2021. Collection method: clinical testing. Allele origin: germline. Affected: yes.
Comment: Has not been previously published as pathogenic or benign to our knowledge; In silico analysis suggests this variant may impact gene splicing; in the absence of RNA/functional studies the actual effect of this sequence change is unknown

Labcorp Genetics (formerly Invitae), Labcorp
Classification: Likely benign for Nephronophthisis 16. Last evaluated: 2023-10-17. Review status: criteria provided, single submitter. Criteria: Invitae Variant Classification Sherloc (09022015). Collection method: clinical testing. Allele origin: germline.

NM_173551.5(ANKS6):c.2143-10T>C

Gene: ANKS6 (ankyrin repeat and sterile alpha motif domain containing 6; minus strand). Cytogenetic location: 9q22.33.
Variant type: single nucleotide variant.
Coding change: c.2143-10T>C on transcript NM_173551.5 (MANE Select); 10 bases into the intron before coding-DNA position 2143, T replaced by C.
Molecular consequence: intron variant.
Genome position (GRCh38, 1-based): chr9:98,756,613, A>G on the plus strand (T>C on the coding strand, the complement: ANKS6 is on the minus strand). VCF-style: chr9-98756613-A-G. GRCh37 (hg19) VCF-style: chr9-101518895-A-G.
Identifiers: ClinVar variation 2864118 (VCV002864118.4), dbSNP rs763588317, ClinGen allele CA5153238.